The following is an entry in ClinVar:

ClinVar aggregate classification (germline): Pathogenic (1 of 4 stars; one submission).

Conditions:
Mendelian susceptibility to mycobacterial diseases due to partial STAT1 deficiency. Also called: IMMUNODEFICIENCY 31A, MYCOBACTERIOSIS, AUTOSOMAL DOMINANT; STAT1 DEFICIENCY, AUTOSOMAL DOMINANT; Immunodeficiency 31a. Identifiers: Orphanet 319595, MedGen C4013950, MONDO:0013956, OMIM 614892.
Autoimmune enteropathy and endocrinopathy - susceptibility to chronic infections syndrome. Also called: Immunodeficiency 31C, autosomal dominant; Immunodeficiency 31C. Identifiers: Orphanet 391487, MedGen C3279990, MONDO:0013599, OMIM 614162.
Immunodeficiency 31B. Also called: IMMUNODEFICIENCY 31B, MYCOBACTERIAL AND VIRAL INFECTIONS, AUTOSOMAL RECESSIVE; STAT1 DEFICIENCY, AUTOSOMAL RECESSIVE. Identifiers: Orphanet 391311, MedGen C3151088, MONDO:0013427, OMIM 613796.

Submission:

Labcorp Genetics (formerly Invitae), Labcorp
Classification: Pathogenic for Mendelian susceptibility to mycobacterial diseases due to partial STAT1 deficiency; Immunodeficiency 31B; Autoimmune enteropathy and endocrinopathy - susceptibility to chronic infections syndrome. Last evaluated: 2025-08-10. Review status: criteria provided, single submitter. Criteria: Invitae Variant Classification Sherloc (09022015). Collection method: clinical testing. Allele origin: germline.
Comment: This sequence change creates a premature translational stop signal (p.Gln299Leufs*59) in the STAT1 gene. It is expected to result in an absent or disrupted protein product. Loss-of-function variants in STAT1 are known to be pathogenic (PMID: 22651901). This variant is not present in population databases (gnomAD no frequency). This variant has not been reported in the literature in individuals affected with STAT1-related conditions. For these reasons, this variant has been classified as Pathogenic.

Literature cited by the submitters: PubMed 22651901.

NM_007315.4(STAT1):c.895_896insT (p.Gln299fs)

Gene: STAT1 (signal transducer and activator of transcription 1; minus strand). Cytogenetic location: 2q32.2.
Variant type: Insertion.
Coding change: c.895_896insT on transcript NM_007315.4 (MANE Select); coding-DNA positions 895 to 896, T inserted.
Protein change: p.Gln299fs; shifts the reading frame from glutamine 299.
Molecular consequence: frameshift variant. On other transcripts: intron variant (1).
Genome position: GRCh38 VCF-style: chr2-190995109-T-TA. GRCh37 (hg19) VCF-style: chr2-191859835-T-TA.
Other names: c.895_896insT, p.Gln299fs (NM_001384880.1, NM_001384882.1, NM_001384886.1 and 5 more transcripts); c.901_902insT, p.Gln301fs (NM_001384881.1, NM_001384884.1); c.796_797insT, p.Gln266fs (NM_001384883.1); c.805_806insT, p.Gln269fs (NM_001384890.1); c.931_932insT, p.Gln311fs (NM_001384891.1); c.785+2746_785+2747insT (NM_001384885.1); short protein forms Q269fs, Q311fs, Q266fs, Q299fs, Q301fs.
Identifiers: ClinVar variation 4785831 (VCV004785831.1).
Genomic context (GRCh38, chr2:190,995,109, plus strand): 5'-CCCTTGAGTTACCTCTGAATGAGCTGCTGGAAAAGACTGAAGGTGCGGTCCCATAACACT[T>TA]GTTTGTTTTTTGTGATAGGGTCATGTTCGTAGGTGTATTTCTGTTCCAATTCCTCCAACT-3'